The following is an entry in ClinVar:

ClinVar aggregate classification (germline): Uncertain significance (1 of 4 stars; one submission).

Conditions:
AKR1C4-related disorder. Also called: AKR1C4-related condition.

gnomAD v4.1: 119 of 1,614,120 alleles (0.0074%); highest among the groups gnomAD compares: Middle Eastern, 0.13%; no homozygotes.

Submission:

PreventionGenetics, part of Exact Sciences
Classification: Uncertain significance for AKR1C4-related condition. Last evaluated: 2025-04-22. Review status: criteria provided, single submitter. Criteria: ACMG Guidelines, 2015. Collection method: clinical testing. Allele origin: germline.
Comment: The AKR1C4 c.704T>C variant is predicted to result in the amino acid substitution p.Leu235Pro. To our knowledge, this variant has not been reported in the literature. This variant is reported in 0.020% of alleles in individuals of European (Finnish) descent in gnomAD. This variant is not reported in the ClinVar database. At this time, the clinical significance of this variant is uncertain due to the absence of conclusive functional and genetic evidence.

NM_001818.5(AKR1C4):c.704T>C (p.Leu235Pro)

Gene: AKR1C4 (aldo-keto reductase family 1 member C4; plus strand). Cytogenetic location: 10p15.1.
Variant type: single nucleotide variant.
Coding change: c.704T>C on transcript NM_001818.5 (MANE Select); coding-DNA position 704, T replaced by C.
Protein change: p.Leu235Pro; replaces leucine 235 with proline.
Molecular consequence: missense variant.
Genome position (GRCh38, 1-based): chr10:5,213,017, T>C. VCF-style: chr10-5213017-T-C. GRCh37 (hg19) VCF-style: chr10-5254980-T-C.
Other names: short protein forms L235P.
Identifiers: ClinVar variation 4987368 (VCV004987368.1).